The following is an entry in ClinVar:

ClinVar aggregate classification (germline): Pathogenic. Review status: criteria provided, multiple submitters, no conflicts (2 of 4 stars). 12 submissions from 11 submitters: Pathogenic (7). 5 of the submissions do not count toward it. Last evaluated 2026-09-01.
ClinVar aggregate classification (somatic clinical impact): Tier I - Strong. Review status: criteria provided, single submitter (1 of 4 stars). 2 submissions from 1 submitter. 1 of the submissions does not count toward it. Last evaluated 2023-07-10.
ClinVar aggregate classification (oncogenicity): Oncogenic (1 of 4 stars; one submission).

Conditions:
Vascular malformation. Also called: Vascular malformations. Identifiers: MedGen C0158570, MONDO:0024291.
KRAS-related disorder. Also called: KRAS-related condition; KRAS-related disorders.
Gastric cancer. Also called: Malignant tumor of stomach; Stomach cancer. Identifiers: MedGen C0024623, MeSH D013274, MONDO:0001056, OMIM 613659, HP:0012126.
Cardiofaciocutaneous syndrome 2 (CFC2). Also called: KRAS-Related Cardiofaciocutaneous Syndrome. Identifiers: Orphanet 1340, MedGen C3809005, MONDO:0014112, OMIM 615278.
RASopathy. Also called: rasopathies; Noonan spectrum disorder. Identifiers: Orphanet 536391, MedGen C5555857, MONDO:0021060.
Ovarian neoplasm. Also called: Neoplasm of ovary; Ovarian Neoplasms; Ovarian tumor. Identifiers: MedGen C0919267, MeSH D010051, MONDO:0021068, HP:0100615.
Non-small cell lung carcinoma (NSCLC). Also called: Non-small cell lung cancer. Identifiers: MedGen C0007131, MeSH D002289, MONDO:0005233, HP:0030358. Disease mechanism: Other.
Juvenile myelomonocytic leukemia (JMML). Also called: LEUKEMIA, JUVENILE MYELOMONOCYTIC, SOMATIC. Identifiers: Orphanet 86834, MedGen C0349639, MONDO:0011908, OMIM 607785, HP:0012209.
Rhabdomyosarcoma. Also called: Rhabdomyosarcoma (disease). Identifiers: Orphanet 780, MedGen C0035412, MeSH D012208, MONDO:0005212, HP:0002859.
Neuroblastoma (NB). Identifiers: Orphanet 635, MedGen C0027819, MeSH D009447, MONDO:0005072, HP:0003006.
Neoplasm. Also called: Neoplasms; Neoplasm (disease); tumor. Identifiers: MedGen C0027651, MeSH D009369, MONDO:0005070, HP:0002664.

Allele frequency attached by ClinVar (database versions not stated): gnomAD exomes below 0.00001; TOPMed 0.00001; gnomAD 0.00001.
gnomAD v4.1: 5 of 1,612,858 alleles (0.00031%); highest among the groups gnomAD compares: Non-Finnish European, 0.00042%; no homozygotes.

Submissions 1 to 11 of 15:

CeGaT Center for Human Genetics Tuebingen
Classification: Pathogenic. Last evaluated: 2026-09-01. Review status: criteria provided, single submitter. Criteria: CeGaT Center For Human Genetics Tuebingen Variant Classification Criteria Version 2. Collection method: clinical testing. Allele origin: germline. Affected: yes. Observed: 2 variant alleles.
Comment: KRAS: PM1, PM2, PM5, PS2:Moderate, PS4:Moderate, PP2

Institute for Genomic Medicine (IGM) Clinical Laboratory, Nationwide Children's Hospital
Classification: Tier II - Potential for Neuroblastoma. Assertion type: diagnostic. Clinical significance: supports diagnosis. Last evaluated: 2025-07-02. Review status: criteria provided, single submitter. Criteria: AMP/ASCO/CAP Guidelines, 2017. Collection method: clinical testing. Allele origin: somatic. Affected: yes. Not counted in ClinVar's aggregate classification.
Comment: Variant has Tier II (potential) clinical significance as a diagnostic inclusion criterion in neuroblastoma, based on the following evidence: 1) Documented in one or more cancer databases (e.g., St. Jude Pecan, COSMIC, CIViC, OncoKB). 2) Information in the literature supports potential biologic effect of variant (PMIDs: 35864332, 31816869). 3) Diagnostic significance based on multiple small studies (Evidence Level C; PMIDs: 22142829, 26121087, 30115695, 30523111, 33056981, 34915055).

GeneDx
Classification: Pathogenic. Last evaluated: 2025-05-12. Review status: criteria provided, single submitter. Criteria: GeneDx Variant Classification Process June 2021. Collection method: clinical testing. Allele origin: germline.
Comment: Not observed at significant frequency in large population cohorts (gnomAD); In silico analysis supports that this missense variant has a deleterious effect on protein structure/function; Missense variants in this gene are often considered pathogenic (HGMD); This variant is associated with the following publications: (PMID: 26242988, 24803665, 25691160, 30476936, 32948832, 34851763, 35753512, 21228335, 18794081, 17384584, 15696205, 35197282, 36756182, 32816843, 18594010, 23406027, 23096712, 22683711, 18316791, 16618717, 26521233, 25157968, 29493581, 17875937, 17704260)

Center for Genomic Medicine, Rigshospitalet, Copenhagen University Hospital
Classification: Oncogenic for Neoplasm. Last evaluated: 2025-03-04. Review status: criteria provided, single submitter. Criteria: ClinGen/CGC/VICC Guidelines for Oncogenicity, 2022. Collection method: clinical testing. Allele origin: somatic. Affected: yes.

Labcorp Genetics (formerly Invitae), Labcorp
Classification: Pathogenic for RASopathy. Last evaluated: 2025-01-13. Review status: criteria provided, single submitter. Criteria: Invitae Variant Classification Sherloc (09022015). Collection method: clinical testing. Allele origin: germline.
Comment: This sequence change replaces glycine, which is neutral and non-polar, with serine, which is neutral and polar, at codon 12 of the KRAS protein (p.Gly12Ser). This variant is not present in population databases (gnomAD no frequency). This missense change has been observed in individuals with KRAS-related conditions (PMID: 17704260, 26242988). ClinVar contains an entry for this variant (Variation ID: 12584). Invitae Evidence Modeling incorporating data from in vitro experimental studies (internal data) indicates that this missense variant is expected to disrupt KRAS function with a positive predictive value of 95%. This variant disrupts the p.Gly12 amino acid residue in KRAS. Other variant(s) that disrupt this residue have been determined to be pathogenic (PMID: 20805368, 22683711, 23096712, 23255105, 26521233). This suggests that this residue is clinically significant, and that variants that disrupt this residue are likely to be disease-causing. For these reasons, this variant has been classified as Pathogenic.

Clinical Genomics Laboratory, Washington University in St. Louis
Classification: Pathogenic for Vascular malformation. Last evaluated: 2024-04-10. Review status: criteria provided, single submitter. Criteria: ACMG Guidelines, 2015. Collection method: clinical testing. Allele origin: somatic. Affected: yes.
Comment: A KRAS c.34G>A (p.Gly12Ser) variant was identified at an allelic fraction consistent with somatic origin. This variant has been reported in the literature in multiple individuals with vascular malformations (Hou YCC et al., PMID: 36571464). This variant has been reported in more than 2,000 cases in the cancer database COSMIC (COSMIC ID: COSV55497461). Other variants in the same codon (p.Gly12Ala, p.Gly12Arg, p.Gly12Asp, p.Gly12Cys, p.Gly12Val) have been reported in the individuals affected with arteriovenous/vascular malformations and are considered pathogenic/likely pathogenic (Hou YCC et al., PMID: 36571464; Hong T et al., PMID: 30544177; Nava C et al., PMID: 17704260; Joyce S et al., PMID: 26242988; Nikolaev SI et al., PMID: 29298116; Fish JE et al., PMID: 32552404; Priemer DS et al., PMID: 31026472, ClinVar Variation ID: 45122, 12582, 12578, 177778, 12583). Computational predictors indicate that the variant is damaging, evidence that correlates with impact to KRAS function. In support of this prediction, functional studies show that alterations in the "hotspot" codon 12 result in downstream MAPK/ERK pathway activation and tumor formation (Park JT, et al., PMID: 25065594). The KRAS gene is defined by the ClinGen RASopathy expert panel (Gelb BD et al., PMID: 29493581) as a gene that has a low rate of benign missense variation and where pathogenic missense variants are a common mechanism of disease. Based on available information, and based on ACMG/AMP guidelines for variant interpretation (Richards S et al., PMID: 25741868) and the ClinGen RASopathy expert panel guidelines (Gelb BD et al., PMID: 29493581), this variant is classified as pathogenic.

Institute for Genomic Medicine (IGM) Clinical Laboratory, Nationwide Children's Hospital
Classification: Tier I - Strong for Rhabdomyosarcoma. Assertion type: diagnostic. Clinical significance: supports diagnosis. Last evaluated: 2023-07-10. Review status: criteria provided, single submitter. Criteria: AMP/ASCO/CAP Guidelines, 2017. Collection method: clinical testing. Allele origin: somatic. Affected: yes.
Comment: Variant has Tier I (strong) clinical significance as a diagnostic inclusion criterion in rhabdomyosarcoma, based on the following evidence: 1) Documented in one or more cancer databases (e.g., St. Jude Pecan, COSMIC, CIViC, OncoKB). 2) Appears in one or more well-established professional guidelines (e.g., World Health Organization [WHO]; National Comprehensive Cancer Network [NCCN]) as providing diagnostic, prognostic, or therapeutic information. 3) Information in the literature supports potential biologic effect of variant (PMIDs: 35864332, 31816869). 4) Diagnostic for a specific tumor type/classification based on well-powered studies with expert-level consensus (Evidence Level B; PMIDs: 24436047, 34166060, 25768946, 19681119, 24332040, 26138366).

Blueprint Genetics
Classification: Pathogenic for KRAS-related disorders. Last evaluated: 2023-03-27. Review status: criteria provided, single submitter. Criteria: ACMG Guidelines, 2015. Collection method: clinical testing. Allele origin: germline. Affected: yes. Observed: 1 variant allele.

Laboratory for Molecular Medicine, Mass General Brigham Personalized Medicine
Classification: Pathogenic for Non-small cell lung carcinoma. Last evaluated: 2011-09-02. Review status: criteria provided, single submitter. Criteria: LMM Criteria. Collection method: clinical testing. Allele origin: somatic. Observed: 13 variant alleles.

Juno Genomics, Hangzhou Juno Genomics, Inc
Classification: Pathogenic for Cardiofaciocutaneous syndrome 2. Review status: criteria provided, single submitter. Criteria: ACMG Guidelines, 2015. Collection method: clinical testing. Allele origin: germline. Affected: yes.
Comment: Multiple lines of computational evidence support a deleterious effect on the gene or gene product (conservation, evolutionary, splicing impact, etc).;The prevalence of the variant in affected individuals is significantly increased compared to the prevalence in controls.;Assumed de novo, but without confirmation of paternity and maternity.;Novel missense change at an amino acid residue where a different missense change determined to be pathogenic has been seen before.

OMIM
Classification: Pathogenic for GASTRIC CANCER, SOMATIC. Last evaluated: 2007-06-15. Review status: no assertion criteria provided. Collection method: literature only. Allele origin: somatic. Not counted in ClinVar's aggregate classification.

NM_004985.5(KRAS):c.34G>A (p.Gly12Ser)

Gene: KRAS (KRas proto-oncogene, GTPase; minus strand). Cytogenetic location: 12p12.1.
Variant type: single nucleotide variant.
Coding change: c.34G>A on transcript NM_004985.5 (MANE Select); coding-DNA position 34, G replaced by A.
Protein change: p.Gly12Ser; replaces glycine 12 with serine.
Molecular consequence: missense variant.
Genome position (GRCh38, 1-based): chr12:25,245,351, C>T on the plus strand (G>A on the coding strand, the complement: KRAS is on the minus strand). VCF-style: chr12-25245351-C-T. GRCh37 (hg19) VCF-style: chr12-25398285-C-T.
Other names: c.34G>A, p.Gly12Ser (NM_001369786.1, NM_001369787.1, NM_033360.4); short protein forms G12S.
Identifiers: ClinVar variation 12584 (VCV000012584.66), dbSNP rs121913530, ClinGen allele CA135565.